The following is an entry in ClinVar:

ClinVar aggregate classification (germline): Conflicting classifications of pathogenicity. Review status: criteria provided, conflicting classifications (1 of 4 stars). 5 submissions from 5 submitters: Uncertain significance (4); Likely benign (1). Last evaluated 2026-01-15.

Conditions:
DNM2-related disorder. Also called: DNM2-related condition.
Charcot-Marie-Tooth disease dominant intermediate B (CMTDIB). Also called: CHARCOT-MARIE-TOOTH NEUROPATHY, DOMINANT INTERMEDIATE B; Charcot-Marie-Tooth disease dominant intermediate 1; CMT DI1; Charcot-Marie-Tooth disease dominant intermediate I. Identifiers: Orphanet 100044, Orphanet 228179, MedGen C1847902, MONDO:0011674, OMIM 606482.

Allele frequency attached by ClinVar (database versions not stated): gnomAD exomes below 0.00001 and 0.00002; gnomAD 0.00003 and 0.00004; TOPMed 0.00003.
gnomAD v4.1: 39 of 1,613,264 alleles (0.0024%); highest among the groups gnomAD compares: Non-Finnish European, 0.0031%; no homozygotes.

Submissions (5):

Labcorp Genetics (formerly Invitae), Labcorp
Classification: Likely benign for Charcot-Marie-Tooth disease dominant intermediate B. Last evaluated: 2026-01-15. Review status: criteria provided, single submitter. Criteria: Invitae Variant Classification Sherloc (09022015). Collection method: clinical testing. Allele origin: germline.

PreventionGenetics, part of Exact Sciences
Classification: Uncertain significance for DNM2-related condition. Last evaluated: 2025-10-14. Review status: criteria provided, single submitter. Criteria: ACMG Guidelines, 2015. Collection method: clinical testing. Allele origin: germline.
Comment: The DNM2 c.2276G>A variant is predicted to result in the amino acid substitution p.Ser759Asn. To our knowledge, this variant has not been reported in the literature. This variant has been reported in 1 heterozygous individuals within the ‘other’ subpopulation in gnomAD. At this time, the clinical significance of this variant is uncertain due to the absence of conclusive functional and genetic evidence.

Women's Health and Genetics/Laboratory Corporation of America, LabCorp
Classification: Uncertain significance. Last evaluated: 2025-10-13. Review status: criteria provided, single submitter. Criteria: LabCorp Variant Classification Summary - May 2015. Collection method: clinical testing. Allele origin: germline.
Comment: Variant summary: DNM2 c.2276G>A (p.Ser759Asn) results in a conservative amino acid change in the encoded protein sequence. Algorithms developed to predict the effect of missense changes on protein structure and function all suggest that this variant is likely to be tolerated. The variant allele was found at a frequency of 2.4e-05 in 1606272 control chromosomes, predominantly at a frequency of 3.1e-05 within the Non-Finnish European subpopulation in the gnomAD database. This frequency is not significantly higher than estimated for disease-causing variants in DNM2, allowing no conclusion about variant significance. To our knowledge, no occurrence of c.2276G>A in individuals affected with DNM2-related conditions and no experimental evidence demonstrating its impact on protein function have been reported. ClinVar contains an entry for this variant (Variation ID: 246533). Based on the evidence outlined above, the variant was classified as uncertain significance.

Mayo Clinic Laboratories, Mayo Clinic
Classification: Uncertain significance. Last evaluated: 2025-02-01. Review status: criteria provided, single submitter. Criteria: ACMG Guidelines, 2015. Collection method: clinical testing. Allele origin: germline. Observed: 1 variant allele.
Comment: BP4

GeneDx
Classification: Uncertain significance. Last evaluated: 2016-04-07. Review status: criteria provided, single submitter. Criteria: GeneDx Variant Classification (06012015). Collection method: clinical testing. Allele origin: germline. Affected: yes.
Comment: The S759N variant has not been published as a pathogenic variant, nor has it been reported as a benign variant to our knowledge. It was not observed in approximately 6,500 individuals of European and African American ancestry in the NHLBI Exome Sequencing Project, indicating it is not a common benign variant in these populations. However, the S759N variant is a conservative amino acid substitution, which is not likely to impact secondary protein structure as these residues share similar properties. Additionally, this substitution occurs at a position that is not conserved, and in silico analysis predicts this variant likely does not alter the protein structure/function. Therefore, based on the currently available information, it is unclear whether this variant is a pathogenic variant or a rare benign variant.

NM_001005361.3(DNM2):c.2276G>A (p.Ser759Asn)

Gene: DNM2 (dynamin 2; plus strand). Cytogenetic location: 19p13.2.
Variant type: single nucleotide variant.
Coding change: c.2276G>A on transcript NM_001005361.3 (MANE Select); coding-DNA position 2276, G replaced by A.
Protein change: p.Ser759Asn; replaces serine 759 with asparagine.
Molecular consequence: missense variant.
Genome position (GRCh38, 1-based): chr19:10,829,253, G>A. VCF-style: chr19-10829253-G-A. GRCh37 (hg19) VCF-style: chr19-10939929-G-A.
Other names: p.Ser759Asn; c.2276G>A, p.Ser759Asn (NM_001005360.3, NM_001190716.2); c.2264G>A, p.Ser755Asn (NM_001005362.3, NM_004945.4); short protein forms S759N, S755N.
Identifiers: ClinVar variation 246533 (VCV000246533.13), dbSNP rs879254300, ClinGen allele CA10584610.